The following is an entry in ClinVar:

ClinVar aggregate classification (germline): Likely benign (1 of 4 stars; one submission).

Submission:

CeGaT Center for Human Genetics Tuebingen
Classification: Likely benign. Last evaluated: 2026-02-01. Review status: criteria provided, single submitter. Criteria: CeGaT Center For Human Genetics Tuebingen Variant Classification Criteria Version 2. Collection method: clinical testing. Allele origin: germline. Affected: yes. Observed: 2 variant alleles.
Comment: THOC3: BP4, BP7

NM_032361.4(THOC3):c.819T>C (p.Ser273=)

Gene: THOC3 (THO complex subunit 3; minus strand). Cytogenetic location: 5q35.2.
Variant type: single nucleotide variant.
Coding change: c.819T>C on transcript NM_032361.4 (MANE Select); coding-DNA position 819, T replaced by C.
Protein change: p.Ser273=; no amino-acid change (serine 273 retained).
Molecular consequence: synonymous variant.
Genome position (GRCh38, 1-based): chr5:175,961,124, A>G on the plus strand (T>C on the coding strand, the complement: THOC3 is on the minus strand). VCF-style: chr5-175961124-A-G. GRCh37 (hg19) VCF-style: chr5-175388127-A-G.
Other names: c.819T>C, p.Ser273= (NM_001376902.1).
Identifiers: ClinVar variation 4533577 (VCV004533577.6).